The following is an entry in ClinVar:

ClinVar aggregate classification (germline): Benign. Review status: criteria provided, single submitter (1 of 4 stars). 2 submissions from 2 submitters: Benign (1). 1 of the submissions does not count toward it. Last evaluated 2025-06-15.

Conditions:
ADNP-related disorder. Also called: ADNP-related condition.

Allele frequency attached by ClinVar (database versions not stated): TOPMed 0.00003; ExAC 0.00004; ESP Exome Variant Server 0.00008; gnomAD 0.00004.
gnomAD v4.1: 106 of 1,614,046 alleles (0.0066%); highest among the groups gnomAD compares: Non-Finnish European, 0.0082%; no homozygotes.

Submissions (2):

Labcorp Genetics (formerly Invitae), Labcorp
Classification: Benign. Last evaluated: 2025-06-15. Review status: criteria provided, single submitter. Criteria: Invitae Variant Classification Sherloc (09022015). Collection method: clinical testing. Allele origin: germline.

PreventionGenetics, part of Exact Sciences
Classification: Likely benign for ADNP-related condition. Last evaluated: 2019-02-19. Review status: no assertion criteria provided. Collection method: clinical testing. Allele origin: germline. Not counted in ClinVar's aggregate classification.
Comment: This variant is classified as likely benign based on ACMG/AMP sequence variant interpretation guidelines (Richards et al. 2015 PMID: 25741868, with internal and published modifications).

NM_001282531.3(ADNP):c.1956G>A (p.Thr652=)

Gene: ADNP (activity dependent neuroprotector homeobox; minus strand). Cytogenetic location: 20q13.13.
Variant type: single nucleotide variant.
Coding change: c.1956G>A on transcript NM_001282531.3 (MANE Select); coding-DNA position 1956, G replaced by A.
Protein change: p.Thr652=; no amino-acid change (threonine 652 retained).
Molecular consequence: synonymous variant.
Genome position (GRCh38, 1-based): chr20:50,892,758, C>T on the plus strand (G>A on the coding strand, the complement: ADNP is on the minus strand). VCF-style: chr20-50892758-C-T. GRCh37 (hg19) VCF-style: chr20-49509295-C-T.
Other names: c.1956G>A (NM_001282531.2); c.1956G>A, p.Thr652= (NM_001282532.2, NM_001347511.2, NM_015339.5 and 1 more transcripts).
Identifiers: ClinVar variation 2868645 (VCV002868645.5), dbSNP rs368260028, ClinGen allele CA9908667.